The following is an entry in ClinVar:

ClinVar aggregate classification (germline): Likely pathogenic (1 of 4 stars; one submission).

Conditions:
Dentinogenesis imperfecta type 2 (DGI1). Also called: CAPDEPONT TEETH; OPALESCENT DENTIN; OPALESCENT TEETH WITHOUT OSTEOGENESIS IMPERFECTA; Dentinogenesis imperfecta without osteogenesis imperfecta; Hereditary Opalescent Dentin; Dentinogenesis imperfecta - Shield's type II. Identifiers: Orphanet 166260, MedGen C2973527, MONDO:0007441, OMIM 125490. Disease mechanism: loss of function.

Submission:

Reference Center For Rare Oral And Dental Diseases, CRMR O-Rares, Hôpitaux Universitaires De Strasbourg
Classification: Likely pathogenic for Dentinogenesis imperfecta type 2. Last evaluated: 2025-09-03. Review status: criteria provided, single submitter. Criteria: ACMG Guidelines, 2015. Collection method: clinical testing. Allele origin: unknown. Inheritance: Autosomal dominant inheritance. Affected: yes.
Comment: PVS1, PM2 (4)

NM_014208.3(DSPP):c.3548del (p.Ser1183fs)

Genes: DMP1-AS1 (DMP1 and DSPP antisense RNA 1; minus strand), DSPP (dentin sialophosphoprotein; plus strand). Cytogenetic location: 4q22.1.
Variant type: Deletion.
Coding change: c.3548del on transcript NM_014208.3 (MANE Select); coding-DNA position 3548, one base deleted (G; older notation c.3548delG).
Protein change: p.Ser1183fs; shifts the reading frame from serine 1183.
Molecular consequence: frameshift variant.
Genome position (GRCh38, 1-based): chr4:87,616,210, G deleted. VCF-style (leftmost placement, unchanged base first): chr4-87616209-AG-A. GRCh37 (hg19) VCF-style: chr4-88537361-AG-A.
Other names: short protein forms S1183fs.
Identifiers: ClinVar variation 4082215 (VCV004082215.1).